The following is an entry in ClinVar:

NM_000350.3(ABCA4):c.4684A>G (p.Ile1562Val)

Genes: ABCA4 (ATP binding cassette subfamily A member 4; minus strand), LOC126805793 (CDK7 strongly-dependent group 2 enhancer GRCh37_chr1:94486302-94487501; plus strand). Cytogenetic location: 1p22.1.
Variant type: single nucleotide variant.
Coding change: c.4684A>G on transcript NM_000350.3 (MANE Select); coding-DNA position 4684, A replaced by G.
Protein change: p.Ile1562Val; replaces isoleucine 1562 with valine.
Molecular consequence: missense variant.
Genome position (GRCh38, 1-based): chr1:94,021,935, T>C on the plus strand (A>G on the coding strand, the complement: ABCA4 is on the minus strand). VCF-style: chr1-94021935-T-C. GRCh37 (hg19) VCF-style: chr1-94487491-T-C.
Other names: c.4462A>G, p.Ile1488Val (NM_001425324.1); short protein forms I1562V, I1488V.
Identifiers: ClinVar variation 1351617 (VCV001351617.4), dbSNP rs1360967221, ClinGen allele CA341284038.
Genomic context (GRCh38, chr1:94,021,935, plus strand): 5'-CGCTTAAAAACCCAACAAGTGCTTCCCCCGTGATGGGGACGACTGGGAGCTTTCCTCCAA[T>C]GGAAATTCCTCCATACCTGACAAGGAAACAGGAAATCCTCAGACCAGGGCCACGAACTTC-3'
Protein context (NP_000341.2, residues 1552-1572): VNEQRYGGIS[Ile1562Val]GGKLPVVPIT

ClinVar aggregate classification (germline): Uncertain significance (1 of 4 stars; one submission).

Allele frequency attached by ClinVar (database versions not stated): gnomAD exomes below 0.00001; TOPMed below 0.00001; gnomAD 0.00001.
gnomAD v4.1: 5 of 1,614,040 alleles (0.00031%); highest among the groups gnomAD compares: Non-Finnish European, 0.00025%; no homozygotes.

Submission:

Labcorp Genetics (formerly Invitae), Labcorp
Classification: Uncertain significance. Last evaluated: 2025-11-23. Review status: criteria provided, single submitter. Criteria: Invitae Variant Classification Sherloc (09022015). Collection method: clinical testing. Allele origin: germline.
Comment: This sequence change replaces isoleucine, which is neutral and non-polar, with valine, which is neutral and non-polar, at codon 1562 of the ABCA4 protein (p.Ile1562Val). This variant is present in population databases (no rsID available, gnomAD no frequency). This variant has not been reported in the literature in individuals affected with ABCA4-related conditions. ClinVar contains an entry for this variant (Variation ID: 1351617). Invitae Evidence Modeling of protein sequence and biophysical properties (such as structural, functional, and spatial information, amino acid conservation, physicochemical variation, residue mobility, and thermodynamic stability) indicates that this missense variant is not expected to disrupt ABCA4 protein function with a negative predictive value of 95%. In summary, the available evidence is currently insufficient to determine the role of this variant in disease. Therefore, it has been classified as a Variant of Uncertain Significance.